The following is an entry in ClinVar:

GRCh37/hg19 2q37.3(chr2:238245132-239052675)x3

Genes: SCLY (selenocysteine lyase; plus strand), UBE2F (ubiquitin conjugating enzyme E2 F (putative); plus strand), COL6A3 (collagen type VI alpha 3 chain; minus strand), ESPNL (espin like; plus strand), KLHL30 (kelch like family member 30; plus strand) and 6 more. Cytogenetic location: 2q37.3.
Variant type: copy number gain.
Change: copy number 3 (three copies instead of two) of chr2:238,245,132-239,052,675 (807.5 kb, GRCh37 coordinates, 1-based), cytogenetic band 2q37.3.
Identifiers: ClinVar variation 617595 (VCV000617595.3).

ClinVar aggregate classification (germline): Uncertain significance (0 of 4 stars; one submission).

Submission:

Institute of Human Genetics, University of Goettingen
Classification: Uncertain significance. Last evaluated: 2018-07-05. Review status: no assertion criteria provided. Collection method: clinical testing. Allele origin: unknown. Affected: yes. Observed: 1 variant allele.
Comment: no comparable aberrations in the database of genomic variants (DGV) and DECIPHER; only one smaller (643 Kb) and one larger (1.335 Mb) duplication are listed in ISCA database, that are assessed as unclear in patients with developmental delay